The following is an entry in ClinVar:

NM_001943.5(DSG2):c.2620del (p.Thr874fs)

Genes: DSG2 (desmoglein 2; plus strand), DSG2-AS1 (DSG2 antisense RNA 1; minus strand). Cytogenetic location: 18q12.1.
Variant type: Deletion.
Coding change: c.2620del on transcript NM_001943.5 (MANE Select); coding-DNA position 2620, one base deleted (A; older notation c.2620delA).
Protein change: p.Thr874fs; shifts the reading frame from threonine 874.
Molecular consequence: frameshift variant.
Genome position (GRCh38, 1-based): chr18:31,546,006, A deleted; the last of 3 consecutive A bases (chr18:31,546,004-31,546,006); deleting any one gives the same sequence. VCF-style (leftmost placement, unchanged base first): chr18-31546003-CA-C. GRCh37 (hg19) VCF-style: chr18-29125966-CA-C.
Other names: c.2620delA (NM_001943.3); short protein forms T874fs.
Identifiers: ClinVar variation 835215 (VCV000835215.46), dbSNP rs755243947, ClinGen allele CA8928359.

ClinVar aggregate classification (germline): Conflicting classifications of pathogenicity. Review status: criteria provided, conflicting classifications (1 of 4 stars). 7 submissions from 7 submitters: Pathogenic (1); Likely pathogenic (3); Uncertain significance (3). Last evaluated 2025-04-21.

Conditions:
Arrhythmogenic right ventricular dysplasia 10. Also called: ARRHYTHMOGENIC RIGHT VENTRICULAR DYSPLASIA, FAMILIAL, 10; Arrhythmogenic right ventricular dysplasia/cardiomyopathy, type 10; Arrhythmogenic Right Ventricular Dysplasia/Cardiomyopathy10. Identifiers: MedGen C1857777, MONDO:0012434, OMIM 610193.
Arrhythmogenic right ventricular cardiomyopathy (ARVD). Also called: Cardiomyopathy, ARVC; Arrhythmogenic right ventricular dysplasia; Arrhythmogenic cardiomyopathy; Arrhythmogenic Right Ventricular Cardiomyopathy (ARVC). Identifiers: Orphanet 247, MedGen C0349788, MeSH D019571, MONDO:0016587. Disease mechanism: loss of function. Inheritance: Various modes of inheritance.
Cardiomyopathy (CMYO). Also called: Cardiomyopathies. Identifiers: Orphanet 167848, MedGen C0878544, MONDO:0004994, HP:0001638. Inheritance: Various modes of inheritance.
Cardiovascular phenotype. Identifiers: MedGen CN230736.

Submissions (7):

Variantyx, Inc.
Classification: Likely pathogenic for Arrhythmogenic right ventricular dysplasia 10. Last evaluated: 2025-04-21. Review status: criteria provided, single submitter. Criteria: Variantyx Assertion Criteria 2022. Collection method: clinical testing. Allele origin: germline. Inheritance: Autosomal dominant inheritance. Affected: yes.
Comment: This is a frameshift variant in the DSG2 gene (OMIM: 125671). Pathogenic variants in this gene have been associated with autosomal dominant arrhythmogenic right ventricular dysplasia 10. This variant introduces a premature termination codon in exon 15 out of 15 and is expected to result in loss of function, which is a known disease mechanism for DSG2 in this disorder (PMID: 17105751, 31386562) (PVS1). This variant has a 0.0009% maximum allele frequency in non-founder control populations (PM2). Based on the current evidence, this variant is classified as likely pathogenic for autosomal dominant arrhythmogenic right ventricular dysplasia 10.

Color Diagnostics, LLC DBA Color Health
Classification: Uncertain significance for Cardiomyopathy. Last evaluated: 2024-10-21. Review status: criteria provided, single submitter. Criteria: ACMG Guidelines, 2015. Collection method: clinical testing. Allele origin: germline.
Comment: This variant deletes 1 nucleotide in exon 15 of the DSG2 gene, creating a frameshift and premature translation stop signal in the last exon. The mutant transcript is expected to escape nonsense-mediated decay and be expressed as a protein product containing altered C-terminal sequence. To our knowledge, functional studies have not been reported for this variant. This variant has not been reported in individuals affected with cardiovascular disorders in the literature. This variant has been identified in 1/248466 chromosomes in the general population by the Genome Aggregation Database (gnomAD). The available evidence is insufficient to determine the role of this variant in disease conclusively. Therefore, this variant is classified as a Variant of Uncertain Significance.

Labcorp Genetics (formerly Invitae), Labcorp
Classification: Pathogenic for Arrhythmogenic right ventricular dysplasia 10. Last evaluated: 2024-06-03. Review status: criteria provided, single submitter. Criteria: Invitae Variant Classification Sherloc (09022015). Collection method: clinical testing. Allele origin: germline.
Comment: This sequence change creates a premature translational stop signal (p.Thr874Leufs*29) in the DSG2 gene. While this is not anticipated to result in nonsense mediated decay, it is expected to disrupt the last 245 amino acid(s) of the DSG2 protein. This variant is present in population databases (rs755243947, gnomAD 0.0009%). This variant has not been reported in the literature in individuals affected with DSG2-related conditions. ClinVar contains an entry for this variant (Variation ID: 835215). This variant disrupts a region of the DSG2 protein in which other variant(s) (p.Glu1020Alafs*18) have been determined to be pathogenic (PMID: 20864495, 21397041, 23381804). This suggests that this is a clinically significant region of the protein, and that variants that disrupt it are likely to be disease-causing. For these reasons, this variant has been classified as Pathogenic.

GeneDx
Classification: Uncertain significance. Last evaluated: 2024-03-12. Review status: criteria provided, single submitter. Criteria: GeneDx Variant Classification Process June 2021. Collection method: clinical testing. Allele origin: germline. Affected: yes.
Comment: Has not been previously published as pathogenic or benign to our knowledge; Not observed at significant frequency in large population cohorts (gnomAD); Frameshift variant predicted to result in abnormal protein length as the last 245 amino acids are replaced with 28 different amino acids

All of Us Research Program, National Institutes of Health
Classification: Uncertain significance for Arrhythmogenic right ventricular cardiomyopathy. Last evaluated: 2023-11-30. Review status: criteria provided, single submitter. Criteria: ACMG Guidelines, 2015. Collection method: clinical testing. Allele origin: germline. Inheritance: Autosomal dominant inheritance. Observed: 4 variant alleles, 4 heterozygotes.
Comment: This study involves interpretation of variants in research participants for the purpose of population health screening. Participant phenotype was not available at the time of variant classification. Additional details can be found in publication PMID: 35346344, PMCID: PMC8962531

CeGaT Center for Human Genetics Tuebingen
Classification: Likely pathogenic. Last evaluated: 2022-12-01. Review status: criteria provided, single submitter. Criteria: CeGaT Center For Human Genetics Tuebingen Variant Classification Criteria Version 2. Collection method: clinical testing. Allele origin: germline. Affected: yes. Observed: 4 variant alleles.
Comment: DSG2: PVS1:Strong, PM2

Ambry Genetics
Classification: Likely pathogenic for Cardiovascular phenotype. Last evaluated: 2019-07-16. Review status: criteria provided, single submitter. Criteria: Ambry Variant Classification Scheme 2023. Collection method: clinical testing. Allele origin: germline.
Comment: The c.2620delA variant, located in coding exon 15 of the DSG2 gene, results from a deletion of one nucleotide at nucleotide position 2620, causing a translational frameshift with a predicted alternate stop codon (p.T874Lfs*29). Premature stop codons are typically deleterious in nature; however, since this stop codon occurs in the last exon, it is not expected to trigger nonsense-mediated mRNA decay and impacts only the last 247 amino acids of the protein. The exact functional impact of these removed amino acids is unknown at this time; however, the C-terminal region of DSG2 has been implicated in protein stabilization at the cell surface and in tail-tail interactions (Chen J et al. J Cell Biol. 2012;199(4):699-711). In addition, frameshift and premature truncating alterations beyond this position (e.g., c.3059_3062delAGAG, p.E1020Afs*18) have been reported in association with arrhythmogenic right ventricular dysplasia/cardiomyopathy (ARVD/C) (Christensen AH et al. J Med Genet. 2010;47(11):736-44). Based on the majority of available evidence to date, this variant is likely to be pathogenic.

Literature cited by the submitters: PubMed 17105751 (cited by Variantyx, Inc.); PubMed 31386562 (cited by Variantyx, Inc.); PubMed 20864495 (cited by Labcorp Genetics (formerly Invitae), Labcorp); PubMed 21397041 (cited by Labcorp Genetics (formerly Invitae), Labcorp); PubMed 23381804 (cited by Labcorp Genetics (formerly Invitae), Labcorp).